The following is an entry in ClinVar:

NM_001844.5(COL2A1):c.3934A>T (p.Lys1312Ter)

Gene: COL2A1 (collagen type II alpha 1 chain; minus strand). Cytogenetic location: 12q13.11.
Variant type: single nucleotide variant.
Coding change: c.3934A>T on transcript NM_001844.5 (MANE Select); coding-DNA position 3934, A replaced by T.
Protein change: p.Lys1312Ter; replaces lysine 1312 with a stop codon.
Molecular consequence: nonsense.
Genome position (GRCh38, 1-based): chr12:47,974,815, T>A on the plus strand (A>T on the coding strand, the complement: COL2A1 is on the minus strand). VCF-style: chr12-47974815-T-A. GRCh37 (hg19) VCF-style: chr12-48368598-T-A.
Other names: c.3727A>T, p.Lys1243Ter (NM_033150.3); short protein forms K1243*, K1312*.
Identifiers: ClinVar variation 3721539 (VCV003721539.2).

ClinVar aggregate classification (germline): Pathogenic (1 of 4 stars; one submission).

Submission:

Labcorp Genetics (formerly Invitae), Labcorp
Classification: Pathogenic. Last evaluated: 2024-09-26. Review status: criteria provided, single submitter. Criteria: Invitae Variant Classification Sherloc (09022015). Collection method: clinical testing. Allele origin: germline.
Comment: This sequence change creates a premature translational stop signal (p.Lys1312*) in the COL2A1 gene. It is expected to result in an absent or disrupted protein product. Loss-of-function variants in COL2A1 are known to be pathogenic (PMID: 20179744). This variant is not present in population databases (gnomAD no frequency). This variant has not been reported in the literature in individuals affected with COL2A1-related conditions. For these reasons, this variant has been classified as Pathogenic.

Literature cited by the submitters: PubMed 20179744.